The following is an entry in ClinVar:

NM_004304.5(ALK):c.3080C>A (p.Pro1027Gln)

Gene: ALK (ALK receptor tyrosine kinase; minus strand). Cytogenetic location: 2p23.2.
Variant type: single nucleotide variant.
Coding change: c.3080C>A on transcript NM_004304.5 (MANE Select); coding-DNA position 3080, C replaced by A.
Protein change: p.Pro1027Gln; replaces proline 1027 with glutamine.
Molecular consequence: missense variant.
Genome position (GRCh38, 1-based): chr2:29,225,553, G>T on the plus strand (C>A on the coding strand, the complement: ALK is on the minus strand). VCF-style: chr2-29225553-G-T. GRCh37 (hg19) VCF-style: chr2-29448419-G-T.
Other names: short protein forms P1027Q.
Identifiers: ClinVar variation 1720064 (VCV001720064.5), dbSNP rs140733978, ClinGen allele CA346467061.
Genomic context (GRCh38, chr2:29,225,553, plus strand): 5'-GCGGCCACGAGGGCAGAGGTCACCACAGAGAGGATCAGCGAGAGTGGCAGGTGTGGCTCC[G>T]GGGTGGGTGACACTGGAAGACAGGTCCCACTGGGGTATTGACAACCACACCAGGTCTCCT-3'
Protein context (NP_004295.2, residues 1017-1037): DGVSCIVSPT[Pro1027Gln]EPHLPLSLIL

ClinVar aggregate classification (germline): Uncertain significance (1 of 4 stars; one submission).

Conditions:
Neuroblastoma, susceptibility to, 3. Also called: ALK-Related Neuroblastic Tumor Susceptibility. Identifiers: Orphanet 635, MedGen C2751681, MONDO:0013083, OMIM 613014.

Submission:

Labcorp Genetics (formerly Invitae), Labcorp
Classification: Uncertain significance for Neuroblastoma, susceptibility to, 3. Last evaluated: 2025-10-25. Review status: criteria provided, single submitter. Criteria: Invitae Variant Classification Sherloc (09022015). Collection method: clinical testing. Allele origin: germline.
Comment: This sequence change replaces proline, which is neutral and non-polar, with glutamine, which is neutral and polar, at codon 1027 of the ALK protein (p.Pro1027Gln). This variant is not present in population databases (gnomAD no frequency). This variant has not been reported in the literature in individuals affected with ALK-related conditions. ClinVar contains an entry for this variant (Variation ID: 1720064). An algorithm developed to predict the effect of missense changes on protein structure and function (PolyPhen-2) suggests that this variant is likely to be tolerated. In summary, the available evidence is currently insufficient to determine the role of this variant in disease. Therefore, it has been classified as a Variant of Uncertain Significance.